The following is an entry in ClinVar:

ClinVar aggregate classification (germline): Uncertain significance (1 of 4 stars; one submission).

Conditions:
Costello syndrome (CSTLO). Also called: FACIOCUTANEOSKELETAL SYNDROME; FCS SYNDROME; HRAS-Related Costello Syndrome. Identifiers: Orphanet 3071, MedGen C0587248, MONDO:0009026, OMIM 218040.

Submission:

Labcorp Genetics (formerly Invitae), Labcorp
Classification: Uncertain significance for Costello syndrome. Last evaluated: 2021-05-24. Review status: criteria provided, single submitter. Criteria: Invitae Variant Classification Sherloc (09022015). Collection method: clinical testing. Allele origin: germline.
Comment: In summary, the available evidence is currently insufficient to determine the role of this variant in disease. Therefore, it has been classified as a Variant of Uncertain Significance. A similar duplication has been observed in individual(s) with clinical features of HRAS-related conditions (PMID: 29684080). This variant is a gross deletion of the genomic region encompassing exon(s) 2-4 of the HRAS gene, which includes the initiator codon. The 5' end of this event is unknown as it extends beyond the assayed region for this gene and therefore may encompass additional genes. The 3' boundary is likely confined to intron 4 of the HRAS gene. It is expected to result in an absent or disrupted protein product. However, the current clinical and genetic evidence is not sufficient to establish whether loss-of-function variants in HRAS cause disease.

Literature cited by the submitters: PubMed 29684080.

NC_000011.9:g.(?_533443)_(534322_?)dup

Gene: HRAS (HRas proto-oncogene, GTPase; minus strand). Cytogenetic location: 11p15.5.
Variant type: Duplication.
Identifiers: ClinVar variation 1418514 (VCV001418514.6).